The following is an entry in ClinVar:

ClinVar aggregate classification (germline): Uncertain significance. Review status: criteria provided, multiple submitters, no conflicts (2 of 4 stars). 2 submissions from 2 submitters: Uncertain significance (2). Last evaluated 2026-10-01.

Conditions:
Tumor predisposition syndrome 2 (TPDS2). Also called: MBD4-ASSOCIATED NEOPLASIA SYNDROME; MBD4-Related Tumor Predisposition Syndrome; MBD4-associated neoplasia syndrome (MANS). Identifiers: Orphanet 661526, MedGen C5774186, MONDO:0859267, OMIM 619975.
MBD4-related disorder. Also called: MBD4-related condition.

Submissions (2):

St. Jude Molecular Pathology, St. Jude Children's Research Hospital
Classification: Uncertain significance for Tumor predisposition syndrome 2. Last evaluated: 2026-10-01. Review status: criteria provided, single submitter. Criteria: St. Jude Assertion Criteria 2020. Collection method: clinical testing. Allele origin: germline.
Comment: The M BD4 c.1227A>G p.(Ile409Met) missense change is absent in gnomAD v2.1.1. The in silico tool REVEL predicts a benign effect on protein function, but to our knowledge this prediction has not been confirmed by functional studies. To our knowledge, this variant has not been reported in individuals with MBD4-associated neoplasia syndrome. In summary, the evidence currently available is insufficient to determine the clinical significance of this variant. It has therefore been classified as of uncertain significance (VUS-Low).

PreventionGenetics, part of Exact Sciences
Classification: Uncertain significance for MBD4-related condition. Last evaluated: 2026-05-11. Review status: criteria provided, single submitter. Criteria: ACMG Guidelines, 2015. Collection method: clinical testing. Allele origin: germline.
Comment: The MBD4 c.1227A>G variant is predicted to result in the amino acid substitution p.Ile409Met. To our knowledge, this variant has not been reported in the literature or in a large population database (gnomAD), indicating this variant is rare. At the time of reporting this variant was absent from ClinVar. At this time, the clinical significance of this variant is uncertain due to the absence of conclusive functional and genetic evidence.

NM_001276270.2(MBD4):c.1209A>G (p.Ile403Met)

Gene: MBD4 (methyl-CpG binding domain 4, DNA glycosylase; minus strand). Cytogenetic location: 3q21.3.
Variant type: single nucleotide variant.
Coding change: c.1209A>G on transcript NM_001276270.2 (MANE Select); coding-DNA position 1209, A replaced by G.
Protein change: p.Ile403Met; replaces isoleucine 403 with methionine.
Molecular consequence: missense variant.
Genome position (GRCh38, 1-based): chr3:129,434,111, T>C on the plus strand (A>G on the coding strand, the complement: MBD4 is on the minus strand). VCF-style: chr3-129434111-T-C. GRCh37 (hg19) VCF-style: chr3-129152954-T-C.
Other names: c.1227A>G, p.Ile409Met (NM_001276271.2, NM_001276272.2, NM_003925.3); c.273A>G, p.Ile91Met (NM_001276273.2); short protein forms I91M, I403M, I409M.
Identifiers: ClinVar variation 4987558 (VCV004987558.2).